The following is an entry in ClinVar:

NM_004329.3(BMPR1A):c.958T>G (p.Phe320Val)

Gene: BMPR1A (bone morphogenetic protein receptor type 1A; plus strand). Cytogenetic location: 10q23.2.
Variant type: single nucleotide variant.
Coding change: c.958T>G on transcript NM_004329.3 (MANE Select); coding-DNA position 958, T replaced by G.
Protein change: p.Phe320Val; replaces phenylalanine 320 with valine.
Molecular consequence: missense variant. On other transcripts: non-coding transcript variant (3).
Genome position (GRCh38, 1-based): chr10:86,919,261, T>G. VCF-style: chr10-86919261-T-G. GRCh37 (hg19) VCF-style: chr10-88679018-T-G.
Other names: c.1033T>G, p.Phe345Val (NM_001406559.1); c.1006T>G, p.Phe336Val (NM_001406560.1); c.958T>G, p.Phe320Val (NM_001406561.1, NM_001406562.1, NM_001406563.1 and 19 more transcripts); c.952T>G, p.Phe318Val (NM_001406583.1); c.874T>G, p.Phe292Val (NM_001406584.1, NM_001406585.1, NM_001406586.1 and 2 more transcripts); c.616T>G, p.Phe206Val (NM_001406589.1); short protein forms F292V, F320V, F345V, F318V, F336V, F206V.
Identifiers: ClinVar variation 4717804 (VCV004717804.1).

ClinVar aggregate classification (germline): Uncertain significance. Review status: criteria provided, multiple submitters, no conflicts (2 of 4 stars). 2 submissions from 2 submitters: Uncertain significance (2). Last evaluated 2025-06-23.

Conditions:
Hereditary cancer-predisposing syndrome. Also called: Neoplastic Syndromes, Hereditary; Tumor predisposition; Hereditary Cancer Syndrome; Hereditary neoplastic syndrome. Identifiers: Orphanet 140162, MedGen C0027672, MeSH D009386, MONDO:0015356.
Juvenile polyposis syndrome (JPS). Identifiers: Orphanet 2929, MedGen C0345893, MONDO:0017380, OMIM 174900.

Submissions (2):

Color Diagnostics, LLC DBA Color Health
Classification: Uncertain significance for Hereditary cancer-predisposing syndrome. Last evaluated: 2025-06-23. Review status: criteria provided, single submitter. Criteria: ACMG Guidelines, 2015. Collection method: clinical testing. Allele origin: germline.
Comment: This missense variant replaces phenylalanine with valine at codon 320 of the BMPR1A protein. Computational prediction suggests that this variant may have deleterious impact on protein structure and function. To our knowledge, functional studies have not been reported for this variant. This variant has not been reported in individuals affected with BMPR1A-related disorders in the literature. This variant has not been identified in the general population by the Genome Aggregation Database (gnomAD). The available evidence is insufficient to determine the role of this variant in disease conclusively. Therefore, this variant is classified as a Variant of Uncertain Significance.

Labcorp Genetics (formerly Invitae), Labcorp
Classification: Uncertain significance for Juvenile polyposis syndrome. Last evaluated: 2025-05-02. Review status: criteria provided, single submitter. Criteria: Invitae Variant Classification Sherloc (09022015). Collection method: clinical testing. Allele origin: germline.
Comment: This sequence change replaces phenylalanine, which is neutral and non-polar, with valine, which is neutral and non-polar, at codon 320 of the BMPR1A protein (p.Phe320Val). This variant is not present in population databases (gnomAD no frequency). This variant has not been reported in the literature in individuals affected with BMPR1A-related conditions. Invitae Evidence Modeling of protein sequence and biophysical properties (such as structural, functional, and spatial information, amino acid conservation, physicochemical variation, residue mobility, and thermodynamic stability) has been performed for this missense variant. However, the output from this modeling did not meet the statistical confidence thresholds required to predict the impact of this variant on BMPR1A protein function. In summary, the available evidence is currently insufficient to determine the role of this variant in disease. Therefore, it has been classified as a Variant of Uncertain Significance.